The following is an entry in ClinVar:

ClinVar aggregate classification (germline): Conflicting classifications of pathogenicity. Review status: criteria provided, conflicting classifications (1 of 4 stars). 7 submissions from 7 submitters: Uncertain significance (6); Likely benign (1). Last evaluated 2026-01-10.

Conditions:
Hereditary diffuse gastric adenocarcinoma (HDGC). Also called: DIFFUSE GASTRIC AND LOBULAR BREAST CANCER SYNDROME. Identifiers: Orphanet 26106, MedGen C1708349, MONDO:0007648, OMIM 137215.
Hereditary cancer-predisposing syndrome. Also called: Hereditary Cancer Syndrome; Neoplastic Syndromes, Hereditary; Tumor predisposition; Hereditary neoplastic syndrome. Identifiers: Orphanet 140162, MedGen C0027672, MeSH D009386, MONDO:0015356.

Allele frequency attached by ClinVar (database versions not stated): TOPMed below 0.00001; gnomAD exomes 0.00001.
gnomAD v4.1: 22 of 1,614,196 alleles (0.0014%); highest among the groups gnomAD compares: Non-Finnish European, 0.0018%; no homozygotes.

Submissions (7):

Labcorp Genetics (formerly Invitae), Labcorp
Classification: Uncertain significance for Hereditary diffuse gastric adenocarcinoma. Last evaluated: 2026-01-10. Review status: criteria provided, single submitter. Criteria: Invitae Variant Classification Sherloc (09022015). Collection method: clinical testing. Allele origin: germline.
Comment: This sequence change replaces glutamine, which is neutral and polar, with histidine, which is basic and polar, at codon 383 of the CDH1 protein (p.Gln383His). This variant is present in population databases (rs786202510, gnomAD 0.002%). This missense change has been observed in individual(s) with CDH1-related conditions (PMID: 36436516). ClinVar contains an entry for this variant (Variation ID: 185856). An algorithm developed to predict the effect of missense changes on protein structure and function (PolyPhen-2) suggests that this variant is likely to be tolerated. In summary, the available evidence is currently insufficient to determine the role of this variant in disease. Therefore, it has been classified as a Variant of Uncertain Significance.

Quest Diagnostics Nichols Institute San Juan Capistrano
Classification: Uncertain significance. Last evaluated: 2025-07-05. Review status: criteria provided, single submitter. Criteria: Quest Diagnostics criteria. Collection method: clinical testing. Allele origin: unknown.
Comment: The CDH1 c.1149G>C (p.Gln383His) variant has been reported in the published literature in individuals with breast cancer (PMID: 36436516 (2023), 33471991 (2021), see also LOVD) and reportedly unaffected individuals (PMID: 33471991 (2021), see also LOVD). The frequency of this variant in the general population (Genome Aggregation Database) is uninformative in the assessment of its pathogenicity. Analysis of this variant using bioinformatics tools for the prediction of the effect of amino acid changes on protein structure and function yielded predictions that this variant is benign. Based on the available information, we are unable to determine the clinical significance of this variant.

Women's Health and Genetics/Laboratory Corporation of America, LabCorp
Classification: Uncertain significance. Last evaluated: 2023-10-30. Review status: criteria provided, single submitter. Criteria: LabCorp Variant Classification Summary - May 2015. Collection method: clinical testing. Allele origin: germline.
Comment: Variant summary: CDH1 c.1149G>C (p.Gln383His) results in a non-conservative amino acid change located in the cadherin-like domain (IPR002126) of the encoded protein sequence. Four of five in-silico tools predict a benign effect of the variant on protein function. The variant allele was found at a frequency of 1.2e-05 in 252446 control chromosomes (gnomAD and Akcay_2021). The available data on variant occurrences in the general population are insufficient to allow any conclusion about variant significance. c.1149G>C has been reported in the literature as a VUS in an individual affected with Breast Cancer (Garcia-Pelaez_2022). This report does not provide unequivocal conclusions about association of the variant with Breast Cancer. To our knowledge, no experimental evidence demonstrating an impact on protein function has been reported. The following publications have been ascertained in the context of this evaluation (PMID: 32658311, 36436516). Five submitters have cited clinical-significance assessments for this variant to ClinVar after 2014. Four submitters classified the variant as uncertain significance and one classified it as likely benign. Based on the evidence outlined above, the variant was classified as uncertain significance.

Color Diagnostics, LLC DBA Color Health
Classification: Uncertain significance for Hereditary cancer-predisposing syndrome. Last evaluated: 2023-02-27. Review status: criteria provided, single submitter. Criteria: ACMG Guidelines, 2015. Collection method: clinical testing. Allele origin: germline.
Comment: This missense variant replaces glutamine with histidine at codon 383 of the CDH1 protein. To our knowledge, functional studies have not been reported for this variant. This variant has not been reported in individuals affected with CDH1-related disorders in the literature. This variant has been identified in 2/251466 chromosomes in the general population by the Genome Aggregation Database (gnomAD). The available evidence is insufficient to determine the role of this variant in disease conclusively. Therefore, this variant is classified as a Variant of Uncertain Significance.

GeneDx
Classification: Uncertain significance. Last evaluated: 2022-11-21. Review status: criteria provided, single submitter. Criteria: GeneDx Variant Classification Process June 2021. Collection method: clinical testing. Allele origin: germline. Affected: yes.
Comment: Not observed at significant frequency in large population cohorts (gnomAD); In silico analysis supports that this missense variant does not alter protein structure/function; Observed in an individual with breast, ovarian, or prostate cancer (Bishop et al., 2019); This variant is associated with the following publications: (PMID: 31415627, 15235021, 22850631, 32658311)

European Reference Network on Genetic Tumour Risk Syndromes (ERN-GENTURIS), i3s - Instituto de Investigação e Inovação em Saúde, University of Porto
Classification: Uncertain significance for Hereditary diffuse gastric adenocarcinoma. Last evaluated: 2022-08-01. Review status: criteria provided, single submitter. Criteria: Lee et al. (Hum Mutat. 2018). Collection method: clinical testing. Allele origin: germline. Inheritance: Autosomal dominant inheritance. Affected: no. Study: ERN GENTURIS.
Comment: PM2 (PMID: 30311375)

Ambry Genetics
Classification: Likely benign for Hereditary cancer-predisposing syndrome. Last evaluated: 2022-04-08. Review status: criteria provided, single submitter. Criteria: Ambry Variant Classification Scheme 2023. Collection method: clinical testing. Allele origin: germline.

Literature cited by the submitters: PubMed 36436516 (cited by 4 submitters); PubMed 33471991 (cited by Quest Diagnostics Nichols Institute San Juan Capistrano); PubMed 32658311 (cited by Women's Health and Genetics/Laboratory Corporation of America, LabCorp and Ambry Genetics).

NM_004360.5(CDH1):c.1149G>C (p.Gln383His)

Gene: CDH1 (cadherin 1; plus strand). Cytogenetic location: 16q22.1.
Variant type: single nucleotide variant.
Coding change: c.1149G>C on transcript NM_004360.5 (MANE Select); coding-DNA position 1149, G replaced by C.
Protein change: p.Gln383His; replaces glutamine 383 with histidine.
Molecular consequence: missense variant. On other transcripts: 5 prime UTR variant (2), intron variant (1).
Genome position (GRCh38, 1-based): chr16:68,813,324, G>C. VCF-style: chr16-68813324-G-C. GRCh37 (hg19) VCF-style: chr16-68847227-G-C.
Other names: c.1149G>C (LRG_301t1); c.-467G>C (NM_001317185.2); c.-671G>C (NM_001317186.2); c.1137+1061G>C (NM_001317184.2); short protein forms Q383H.
Identifiers: ClinVar variation 185856 (VCV000185856.26), dbSNP rs786202510, ClinGen allele CA193172.